The following is an entry in ClinVar:

NM_181783.4(TMTC3):c.2233A>G (p.Ile745Val)

Gene: TMTC3 (transmembrane O-mannosyltransferase targeting cadherins 3; plus strand). Cytogenetic location: 12q21.32.
Variant type: single nucleotide variant.
Coding change: c.2233A>G on transcript NM_181783.4 (MANE Select); coding-DNA position 2233, A replaced by G.
Protein change: p.Ile745Val; replaces isoleucine 745 with valine.
Molecular consequence: missense variant. On other transcripts: non-coding transcript variant (1).
Genome position (GRCh38, 1-based): chr12:88,195,137, A>G. VCF-style: chr12-88195137-A-G. GRCh37 (hg19) VCF-style: chr12-88588914-A-G.
Other names: c.2053A>G, p.Ile685Val (NM_001366574.1); c.2014A>G, p.Ile672Val (NM_001366579.1); c.1966A>G, p.Ile656Val (NM_001366580.1); c.1540A>G, p.Ile514Val (NM_001366583.1); short protein forms I514V, I656V, I672V, I685V, I745V.
Identifiers: ClinVar variation 4759447 (VCV004759447.1).

ClinVar aggregate classification (germline): Likely benign (1 of 4 stars; one submission).

Conditions:
Lissencephaly 8 (LIS8). Identifiers: MedGen C4310646, MONDO:0014992, OMIM 617255.

Submission:

Centre for Medical Genetics,  Mumbai
Classification: Likely benign for Lissencephaly 8. Last evaluated: 2026-02-12. Review status: criteria provided, single submitter. Criteria: ACMG Guidelines, 2015. Collection method: provider interpretation. Allele origin: germline. Inheritance: Autosomal recessive inheritance. Affected: no. Observed: 1 homozygote.
Comment: The variant satisfies PM2 criteria; Extremely low frequency in gnomAD population databases. However, the variant satisfies BS2 criteria; present in homozygous state in an individual that clinically does not have Lissencephaly 8.

Literature cited by the submitters: PubMed 27773428.